The following is an entry in ClinVar:

NM_001367479.1(DNAH14):c.3032G>A (p.Arg1011Gln)

Gene: DNAH14 (dynein axonemal heavy chain 14; plus strand). Cytogenetic location: 1q42.12.
Variant type: single nucleotide variant.
Coding change: c.3032G>A on transcript NM_001367479.1 (MANE Select); coding-DNA position 3032, G replaced by A.
Protein change: p.Arg1011Gln; replaces arginine 1011 with glutamine.
Molecular consequence: missense variant.
Genome position (GRCh38, 1-based): chr1:225,080,644, G>A. VCF-style: chr1-225080644-G-A. GRCh37 (hg19) VCF-style: chr1-225268346-G-A.
Other names: short protein forms R1011Q.
Identifiers: ClinVar variation 402648 (VCV000402648.5), dbSNP rs3128652, ClinGen allele CA1415845.

ClinVar aggregate classification (germline): Benign. Review status: criteria provided, multiple submitters, no conflicts (2 of 4 stars). 2 submissions from 2 submitters: Benign (2). Last evaluated 2016-03-28.

Allele frequency attached by ClinVar (database versions not stated): 1000 Genomes Project 30x 0.69722; 1000 Genomes Project 0.70268; TOPMed 0.76876; gnomAD 0.80597; ESP Exome Variant Server 0.82676; ExAC 0.86630; gnomAD exomes 0.86949.
gnomAD v4.1: 1,423,730 of 1,551,374 alleles (92%); highest among the groups gnomAD compares: Non-Finnish European, 96%; 663,935 homozygotes.

Submissions (2):

Laboratory for Molecular Medicine, Mass General Brigham Personalized Medicine
Classification: Benign. Last evaluated: 2016-03-28. Review status: criteria provided, single submitter. Criteria: LMM Criteria. Collection method: clinical testing. Allele origin: germline.
Comment: Variant identified in a genome or exome case(s) and assessed due to predicted null impact of the variant or pathogenic assertions in the literature or databases. Disclaimer: This variant has not undergone full assessment. The following are preliminary notes: Frequency

Breakthrough Genomics
Classification: Benign. Review status: criteria provided, single submitter. Criteria: ACMG Guidelines, 2015. Collection method: not provided. Allele origin: germline. Inheritance: Unknown mechanism. Affected: yes.